The following is an entry in ClinVar:

NM_000492.3(CFTR):c.[1327G>T;1727G>C;2002C>T]

Variant type: Haplotype.
Identifiers: ClinVar variation 870319 (VCV000870319.4).

ClinVar aggregate classification (germline): Pathogenic (1 of 4 stars; one submission).

Conditions:
Cystic fibrosis (CF). Also called: MUCOVISCIDOSIS. Identifiers: Orphanet 586, MedGen C0010674, MONDO:0009061, OMIM 219700. Disease mechanism: loss of function.

Submission:

Women's Health and Genetics/Laboratory Corporation of America, LabCorp
Classification: Pathogenic for Cystic fibrosis. Last evaluated: 2020-02-25. Review status: criteria provided, single submitter. Criteria: LabCorp Variant Classification Summary - May 2015. Collection method: clinical testing. Allele origin: unknown. Inheritance: Autosomal recessive inheritance.
Comment: CFTR c.[1327G>T;1727G>C;2002C>T] (p.[Asp443Tyr;Gly576Ala;Arg668Cys]) variant is a complex allele and involves the alteration of multiple nucleotides. The allele frequency of this complex variant could not be determined from population databases because the individual variants of the complex have variable frequencies and the exact number of alleles representing a combination of the three in cis is unknown. However, based on the frequency of the least prevalent allele, namely c.1327G>T, it can be estimated that the complex variant allele will be found at a frequency not to exceed 0.00026 in 242986 control chromosomes. This frequency is not significantly higher than expected for a pathogenic variant in CFTR causing Classic or Non-Classic Cystic Fibrosis, allowing no conclusion about variant significance. Of note, c.1327G>T (p.Asp443Tyr) in isolation has been classified as pathogenic for CFTR-RD. The complex allele, c.[1327G>T;1727G>C;2002C>T] has been reported in the literature in multiple individuals affected with CBAVD and CFTR-RD (example, Steiner_2011, PMID 21520337, El-Seedy_2012, PMID 22678879). This complex allele has been previously reported as one of the common complex variants in patients with CFTR-RD in compound heterozygous genotypes with other known or potentially pathogenic CFTR variants. Furthermore, this variant combination is reported as one of the most common complex alleles found in CBAVD patients (Bombieri 2011, PMID 21658649). At-least one publication reports experimental evidence evaluating an impact on protein function of these variants in isolation as well as part of the complex haplotype. In this study, the authors concluded that the combination of p.Gly576Ala and p.Arg668Cys affecting chloride channel activity coupled with p.Asp443Tyr effecting protein maturation would account for the pathogenicity of the overall haplotype (El-Seedy_2012). These results are consistent with mild functional effect attributed to the complex allele (El-Seedy 2012). In contrast however, c.1727G>C and c.2002C>T in isolation have been reported as non-CF causing in isolation based on a large study evaluating the functional consequences of CFTR variants (Sosnay_2013, PMID 23974870). No clinical diagnostic laboratories have submitted clinical-significance assessments for this complex variant combination to ClinVar after 2014. Based on the evidence outlined above, the complex allele was classified as pathogenic for CFTR-related disorders.